The following is an entry in ClinVar:

NM_173660.5(DOK7):c.1267C>T (p.Gln423Ter)

Gene: DOK7 (docking protein 7; plus strand). Cytogenetic location: 4p16.3.
Variant type: single nucleotide variant.
Coding change: c.1267C>T on transcript NM_173660.5 (MANE Select); coding-DNA position 1267, C replaced by T.
Protein change: p.Gln423Ter; replaces glutamine 423 with a stop codon.
Molecular consequence: nonsense. On other transcripts: 3 prime UTR variant (1).
Genome position (GRCh38, 1-based): chr4:3,493,253, C>T. VCF-style: chr4-3493253-C-T. GRCh37 (hg19) VCF-style: chr4-3494980-C-T.
Other names: c.*488C>T (NM_001164673.2); c.337C>T, p.Gln113Ter (NM_001256896.2); c.1267C>T, p.Gln423Ter (NM_001301071.2); c.835C>T, p.Gln279Ter (NM_001363811.2); short protein forms Q113*, Q279*, Q423*.
Identifiers: ClinVar variation 1074328 (VCV001074328.14), dbSNP rs1728650830, ClinGen allele CA356117660.

ClinVar aggregate classification (germline): Pathogenic/Likely pathogenic. Review status: criteria provided, multiple submitters, no conflicts (2 of 4 stars). 2 submissions from 2 submitters: Pathogenic (1); Likely pathogenic (1). Last evaluated 2024-03-11.

Conditions:
Congenital myasthenic syndrome 10. Also called: Myasthenia, limb-girdle, familial. Identifiers: Orphanet 590, MedGen C1850792, MONDO:0009690, OMIM 254300.
Fetal akinesia deformation sequence 1 (FADS1). Also called: Fetal akinesia sequence; Pena-Shokeir syndrome type I. Identifiers: Orphanet 994, MedGen C1276035, MONDO:0100101, OMIM 208150, HP:0001989.
Fetal akinesia deformation sequence 3. Identifiers: MedGen C4760599, MONDO:0100103, OMIM 618389.

Allele frequency attached by ClinVar (database versions not stated): gnomAD exomes below 0.00001; TOPMed below 0.00001.
gnomAD v4.1: 4 of 1,611,890 alleles (0.00025%); highest among the groups gnomAD compares: Non-Finnish European, 0.00025%; no homozygotes.

Submissions (2):

Baylor Genetics
Classification: Likely pathogenic for Fetal akinesia deformation sequence 3. Last evaluated: 2024-03-11. Review status: criteria provided, single submitter. Criteria: ACMG Guidelines, 2015. Collection method: clinical testing. Allele origin: unknown.

Labcorp Genetics (formerly Invitae), Labcorp
Classification: Pathogenic for Congenital myasthenic syndrome 10; Fetal akinesia deformation sequence 1. Last evaluated: 2022-07-19. Review status: criteria provided, single submitter. Criteria: Invitae Variant Classification Sherloc (09022015). Collection method: clinical testing. Allele origin: germline.
Comment: This sequence change creates a premature translational stop signal (p.Gln423*) in the DOK7 gene. While this is not anticipated to result in nonsense mediated decay, it is expected to disrupt the last 82 amino acid(s) of the DOK7 protein. This variant is not present in population databases (gnomAD no frequency). This variant has not been reported in the literature in individuals affected with DOK7-related conditions. ClinVar contains an entry for this variant (Variation ID: 1074328). For these reasons, this variant has been classified as Pathogenic. This variant disrupts a region of the DOK7 protein in which other variant(s) (p.Pro486Argfs*15) have been determined to be pathogenic (PMID: 29118959). This suggests that this is a clinically significant region of the protein, and that variants that disrupt it are likely to be disease-causing.

Literature cited by the submitters: PubMed 29118959 (cited by Labcorp Genetics (formerly Invitae), Labcorp).